The following is an entry in ClinVar:

NM_000552.5(VWF):c.4975C>T (p.Arg1659Ter)

Gene: VWF (von Willebrand factor; minus strand). Cytogenetic location: 12p13.31.
Variant type: single nucleotide variant.
Coding change: c.4975C>T on transcript NM_000552.5 (MANE Select); coding-DNA position 4975, C replaced by T.
Protein change: p.Arg1659Ter; replaces arginine 1659 with a stop codon.
Molecular consequence: nonsense.
Genome position (GRCh38, 1-based): chr12:6,018,443, G>A on the plus strand (C>T on the coding strand, the complement: VWF is on the minus strand). VCF-style: chr12-6018443-G-A. GRCh37 (hg19) VCF-style: chr12-6127609-G-A.
Other names: NM_000552.5(VWF):c.4975C>T; p.Arg1659Ter; short protein forms R1659*.
Identifiers: ClinVar variation 297 (VCV000000297.16), dbSNP rs61750595, ClinGen allele CA114141.
Genomic context (GRCh38, chr12:6,018,443, plus strand): 5'-TGGGGATCTGCAGCCCCTCTCCGGAGCAGCACCTCTGCAGCACCAGGTCAGGAGCCTCTC[G>A]GGGGAGCGTCTCAAAGTCCTGGATGAGGATAGGGGCATTGGGCCAGCCAATCCTCTCCAG-3'

ClinVar aggregate classification (germline): Pathogenic. Review status: reviewed by expert panel (3 of 4 stars). 13 submissions from 12 submitters: Pathogenic (1). 12 of the submissions do not count toward it. Last evaluated 2024-09-03.

Conditions:
VWF-related disorder. Also called: VWF-related disorders; VWF-related condition.
von Willebrand disease type 2 (VWD2). Also called: VON WILLEBRAND DISEASE, TYPE 2A/IIE; VON WILLEBRAND DISEASE, TYPE 2CB; VON WILLEBRAND DISEASE, TYPE II; VWD, TYPE 2. Identifiers: Orphanet 166081, Orphanet 903, MedGen C1264040, MONDO:0013304, OMIM 613554.
von Willebrand disease type 1 (VWD1). Also called: VON WILLEBRAND DISEASE, TYPE I; VWD, TYPE 1. Identifiers: Orphanet 166078, Orphanet 903, MedGen C1264039, MONDO:0008668, OMIM 193400. Inheritance: autosomal recessive or autosomal dominant.
von Willebrand disease type 3 (VWD3). Also called: Type 3 Von Willebrand's disease; Type 3 VWD; Von Willebrand disease, severe form; V WD3; VON WILLEBRAND DISEASE, TYPE III. Identifiers: Orphanet 166096, MedGen C1264041, MONDO:0010191, OMIM 277480.
Hereditary von Willebrand disease. Identifiers: Orphanet 903, MedGen C5703318, MONDO:0019565. Inheritance: Autosomal recessive or Autosomal dominant.

Allele frequency attached by ClinVar (database versions not stated): TOPMed 0.00001; gnomAD 0.00006; gnomAD exomes 0.00006; ExAC 0.00008.
gnomAD v4.1: 52 of 1,612,998 alleles (0.0032%); highest among the groups gnomAD compares: Non-Finnish European, 0.0012%; no homozygotes.

Submissions (13):

ClinGen von Willebrand Disease Variant Curation Expert Panel, ClinGen
Classification: Pathogenic for Hereditary von Willebrand disease. Last evaluated: 2024-09-03. Review status: reviewed by expert panel. Criteria: ClinGen VWD 2A B M Rules. Collection method: curation. Allele origin: germline.
Comment: The NM_000552.5(VWF):c.4975C>T variant in VWF is a nonsense variant predicted to cause substitution of arginine by a premature stop at codon 1659. This nonsense variant occurs in exon 28 of 52 of the only known transcript and is predicted to trigger nonsense-mediated decay. Loss of function is a known mechanism of disease in forms of VWD that are partially (Type 1) or completely (Type 3) deficient in the gene product (PVS1). The Grpmax filtering allele frequency in gnomAD v4.1 is 0.000006890 (based on 14/1179672 alleles in the European non-Finnish population), which is lower than the ClinGen VWD VCEP threshold of <0.0001 for (PM2_Supporting). A higher frequency is seen in the European Finnish population, and at least 3 Finnish patients with this variant (2 heterozygous and 1 homozygous) displayed phenotypes consistent with VWD, including pronounced bleeding tendency, low vWF levels, and low Factor VIII levels (PMID: 1415226). The variant co-segregates with VWD through at least 2 affected meioses in each of 2 families (PP1; PMID: 1415226). In summary, this variant meets the criteria to be classified as Pathogenic for hereditary von Willebrand disease. ACMG/AMP criteria applied as specified by the ClinGen von Willebrand disease Variant Curation Expert Panel: PVS1, PM2_Supporting, PP1.

Quest Diagnostics Nichols Institute San Juan Capistrano
Classification: Pathogenic. Last evaluated: 2025-06-26. Review status: criteria provided, single submitter. Criteria: Quest Diagnostics criteria. Collection method: clinical testing. Allele origin: unknown. Not counted in ClinVar's aggregate classification.
Comment: The VWF c.4975C>T (p.Arg1659*) variant causes the premature termination of VWF protein synthesis. This variant has been reported in the published literature in individuals affected with type 3 von Willebrand disease (PMID: 20147343 (2010), 24712919 (2014), 18485763 (2008), 23834637 (2013), 28971901 (2017), 24675615 (2014), 29427305 (2018), 31026269 (2019), 31532876 (2019), 34351388 (2021), 35343054 (2022), 35505650 (2022), 35741733 (2022), 37845247 (2023), 36792472 (2023), and 36251718 (2023)). The frequency of this variant in the general population (Genome Aggregation Database) is consistent with pathogenicity. Based on the available information, this variant is classified as pathogenic.

Blueprint Genetics
Classification: Pathogenic for VWF-related disorders. Last evaluated: 2024-07-10. Review status: criteria provided, single submitter. Criteria: ACMG Guidelines, 2015. Collection method: clinical testing. Allele origin: germline. Affected: yes. Observed: 5 variant alleles. Not counted in ClinVar's aggregate classification.

GeneDx
Classification: Pathogenic. Last evaluated: 2022-10-02. Review status: criteria provided, single submitter. Criteria: GeneDx Variant Classification Process June 2021. Collection method: clinical testing. Allele origin: germline. Affected: yes. Not counted in ClinVar's aggregate classification.
Comment: Nonsense variant predicted to result in protein truncation or nonsense mediated decay in a gene for which loss of function is a known mechanism of disease; This variant is associated with the following publications: (PMID: 35505650, 31050121, 25525159, 1301136, 31589614, 29423401, 23834637, 9845532, 24712919, 18485763, 20147343)

Women's Health and Genetics/Laboratory Corporation of America, LabCorp
Classification: Pathogenic for von Willebrand disorder. Last evaluated: 2022-07-19. Review status: criteria provided, single submitter. Criteria: LabCorp Variant Classification Summary - May 2015. Collection method: clinical testing. Allele origin: germline. Not counted in ClinVar's aggregate classification.
Comment: Variant summary: VWF c.4975C>T (p.Arg1659X) results in a premature termination codon, predicted to cause a truncation of the encoded protein or absence of the protein due to nonsense mediated decay, which are commonly known mechanisms for disease. The variant allele was found at a frequency of 5.6e-05 in 250392 control chromosomes. This frequency does not allow conclusions about variant significance. c.4975C>T has been reported in the literature as a homozygous or compound heterozygous genotype in multiple individuals affected with Von Willebrand Disease type 3 (example, Mohl_2011, Lapi_2022, Zhang_1992, Ahmad_2014). These data indicate that the variant is very likely to be associated with disease. Two clinical diagnostic laboratories have submitted clinical-significance assessments for this variant to ClinVar after 2014 without evidence for independent evaluation. All laboratories classified the variant as pathogenic. Based on the evidence outlined above, the variant was classified as pathogenic.

ISTH-SSC Genomics in Thrombosis and Hemostasis, KU Leuven, Center for Molecular and Vascular Biology
Classification: Pathogenic for von Willebrand disease type 1. Review status: criteria provided, single submitter. Criteria: ACMG Guidelines, 2015. Collection method: clinical testing. Allele origin: unknown. Affected: yes. Observed: 2 heterozygotes, 1 homozygote. Not counted in ClinVar's aggregate classification.
Comment: GoldVariant submitter: Dr Karyn Mégy NIHR Bioresource - Cambridge University, UK

Juno Genomics, Hangzhou Juno Genomics, Inc
Classification: Pathogenic for von Willebrand disease type 2; von Willebrand disease type 1; von Willebrand disease type 3. Review status: criteria provided, single submitter. Criteria: ACMG Guidelines, 2015. Collection method: clinical testing. Allele origin: germline. Not counted in ClinVar's aggregate classification.
Comment: Absent from controls (or at extremely low frequency if recessive) in Genome Aggregation Database.;The prevalence of the variant in affected individuals is significantly increased compared to the prevalence in controls.;Co-segregation with disease in multiple affected family members.;For recessive disorders, detected in trans with a pathogenic variant.

PreventionGenetics, part of Exact Sciences
Classification: Pathogenic for VWF-related condition. Last evaluated: 2024-04-17. Review status: no assertion criteria provided. Collection method: clinical testing. Allele origin: germline. Not counted in ClinVar's aggregate classification.
Comment: The VWF c.4975C>T variant is predicted to result in premature protein termination (p.Arg1659*). This variant has been well documented to be pathogenic for autosomal recessive Von Willebrand disease 3 (Ahmad et al. 2014. PubMed ID: 24712919; Borràs et al. 2017. PubMed ID: 28971901. Table S4; Gupta et al. 2008. PubMed ID: 18485763). This variant is reported in 0.040% of alleles in individuals of European (Finnish) descent in gnomAD. Nonsense variants in VWF are expected to be pathogenic. This variant is interpreted as pathogenic.

Angelo Bianchi Bonomi Hemophilia and Thrombosis Center, Fondazione IRCCS Ca Granda Ospedale Maggiore Policlinico
Classification: Pathogenic for von Willebrand disease type 3. Last evaluated: 2020-11-01. Review status: no assertion criteria provided. Collection method: clinical testing. Allele origin: germline. Affected: yes. Study: Type 3 Von Willebrand International Registries Inhibitor Prospective Study (3WINTERS-IPS). Not counted in ClinVar's aggregate classification.
Comment: variant already reported in ClinVar

OMIM
Classification: Pathogenic for VON WILLEBRAND DISEASE, TYPE 3. Last evaluated: 1992-12-01. Review status: no assertion criteria provided. Collection method: literature only. Allele origin: germline. Not counted in ClinVar's aggregate classification.

OMIM
Classification: Pathogenic for VON WILLEBRAND DISEASE, TYPE 1. Last evaluated: 1992-12-01. Review status: no assertion criteria provided. Collection method: literature only. Allele origin: germline. Not counted in ClinVar's aggregate classification.

Academic Unit of Haematology, University of Sheffield
No classification provided. Review status: no classification provided. Collection method: not provided. Allele origin: not provided. Not counted in ClinVar's aggregate classification.

GeneReviews
No classification provided. Condition: von Willebrand disorder. Review status: no classification provided. Collection method: literature only. Allele origin: germline. Not counted in ClinVar's aggregate classification.

Literature cited by the submitters: PubMed 1415226 (cited by 3 submitters); PubMed 1301136 (cited by Quest Diagnostics Nichols Institute San Juan Capistrano and OMIM); PubMed 20147343 (cited by Quest Diagnostics Nichols Institute San Juan Capistrano); PubMed 24712919 (cited by Quest Diagnostics Nichols Institute San Juan Capistrano and Women's Health and Genetics/Laboratory Corporation of America, LabCorp); PubMed 29423401 (cited by Quest Diagnostics Nichols Institute San Juan Capistrano); PubMed 18485763 (cited by Quest Diagnostics Nichols Institute San Juan Capistrano); PubMed 23834637 (cited by Quest Diagnostics Nichols Institute San Juan Capistrano); PubMed 22102206 (cited by Quest Diagnostics Nichols Institute San Juan Capistrano); PubMed 28971901 (cited by Quest Diagnostics Nichols Institute San Juan Capistrano); PubMed 24675615 (cited by Quest Diagnostics Nichols Institute San Juan Capistrano); PubMed 34355501 (cited by Quest Diagnostics Nichols Institute San Juan Capistrano and ISTH-SSC Genomics in Thrombosis and Hemostasis, KU Leuven, Center for Molecular and Vascular Biology); PubMed 35505650 (cited by Quest Diagnostics Nichols Institute San Juan Capistrano and Women's Health and Genetics/Laboratory Corporation of America, LabCorp); PubMed 37647632 (cited by Quest Diagnostics Nichols Institute San Juan Capistrano); PubMed 37845247 (cited by Quest Diagnostics Nichols Institute San Juan Capistrano); PubMed 36792472 (cited by Quest Diagnostics Nichols Institute San Juan Capistrano); PubMed 36251718 (cited by Quest Diagnostics Nichols Institute San Juan Capistrano); PubMed 35741733 (cited by Quest Diagnostics Nichols Institute San Juan Capistrano); PubMed 35343054 (cited by Quest Diagnostics Nichols Institute San Juan Capistrano); PubMed 34351388 (cited by Quest Diagnostics Nichols Institute San Juan Capistrano); PubMed 31532876 (cited by Quest Diagnostics Nichols Institute San Juan Capistrano); PubMed 31026269 (cited by Quest Diagnostics Nichols Institute San Juan Capistrano); PubMed 29427305 (cited by Quest Diagnostics Nichols Institute San Juan Capistrano); PubMed 21362127 (cited by Women's Health and Genetics/Laboratory Corporation of America, LabCorp); NCBI Bookshelf NBK7014 (cited by GeneReviews).